The following is an entry in ClinVar:

NM_020822.3(KCNT1):c.3231G>A (p.Gly1077=)

Gene: KCNT1 (potassium sodium-activated channel subfamily T member 1; plus strand). Cytogenetic location: 9q34.3.
Variant type: single nucleotide variant.
Coding change: c.3231G>A on transcript NM_020822.3 (MANE Select); coding-DNA position 3231, G replaced by A.
Protein change: p.Gly1077=; no amino-acid change (glycine 1077 retained).
Molecular consequence: synonymous variant.
Genome position (GRCh38, 1-based): chr9:135,786,250, G>A. VCF-style: chr9-135786250-G-A. GRCh37 (hg19) VCF-style: chr9-138678096-G-A.
Other names: c.3096G>A, p.Gly1032= (NM_001272003.2).
Identifiers: ClinVar variation 515421 (VCV000515421.13), dbSNP rs375957383, ClinGen allele CA5327753.

ClinVar aggregate classification (germline): Likely benign. Review status: criteria provided, multiple submitters, no conflicts (2 of 4 stars). 5 submissions from 4 submitters: Likely benign (5). Last evaluated 2026-04-01.

Conditions:
Autosomal dominant nocturnal frontal lobe epilepsy 5. Also called: CILIARY DYSKINESIA, PRIMARY, 28, WITHOUT SITUS INVERSUS; CILIARY DYSKINESIA, PRIMARY, 28, WITH SITUS INVERSUS; KCNT1-Related Epilepsy; Epilepsy, nocturnal frontal lobe, 5. Identifiers: Orphanet 98784, MedGen C3554306, MONDO:0014002, OMIM 615005.
Developmental and epileptic encephalopathy, 14 (DEE14). Also called: Early infantile epileptic encephalopathy 14. Identifiers: Orphanet 293181, MedGen C3554195, MONDO:0013989, OMIM 614959.

Allele frequency attached by ClinVar (database versions not stated): ExAC 0.00001; gnomAD 0.00001; gnomAD exomes 0.00001; TOPMed 0.00001; ESP Exome Variant Server 0.00008.
gnomAD v4.1: 4 of 1,611,372 alleles (0.00025%); highest among the groups gnomAD compares: African/African-American, 0.0053%; no homozygotes.

Submissions (5):

CeGaT Center for Human Genetics Tuebingen
Classification: Likely benign. Last evaluated: 2026-04-01. Review status: criteria provided, single submitter. Criteria: CeGaT Center For Human Genetics Tuebingen Variant Classification Criteria Version 2. Collection method: clinical testing. Allele origin: germline. Affected: yes. Observed: 1 variant allele.
Comment: KCNT1: BP4, BP7

Labcorp Genetics (formerly Invitae), Labcorp
Classification: Likely benign for Autosomal dominant nocturnal frontal lobe epilepsy 5; Developmental and epileptic encephalopathy, 14. Last evaluated: 2022-07-25. Review status: criteria provided, single submitter. Criteria: Invitae Variant Classification Sherloc (09022015). Collection method: clinical testing. Allele origin: germline.

Genome-Nilou Lab
Classification: Likely benign for Developmental and epileptic encephalopathy, 14. Last evaluated: 2022-03-15. Review status: criteria provided, single submitter. Criteria: ACMG Guidelines, 2015. Collection method: clinical testing. Allele origin: germline. Affected: no.

Genome-Nilou Lab
Classification: Likely benign for Autosomal dominant nocturnal frontal lobe epilepsy 5. Last evaluated: 2022-03-15. Review status: criteria provided, single submitter. Criteria: ACMG Guidelines, 2015. Collection method: clinical testing. Allele origin: germline. Affected: no.

GeneDx
Classification: Likely benign. Last evaluated: 2018-02-18. Review status: criteria provided, single submitter. Criteria: GeneDx Variant Classification (06012015). Collection method: clinical testing. Allele origin: germline. Affected: yes.
Comment: This variant is considered likely benign or benign based on one or more of the following criteria: it is a conservative change, it occurs at a poorly conserved position in the protein, it is predicted to be benign by multiple in silico algorithms, and/or has population frequency not consistent with disease.